The following is an entry in ClinVar:

ClinVar aggregate classification (germline): Benign. Review status: criteria provided, multiple submitters, no conflicts (2 of 4 stars). 4 submissions from 4 submitters: Benign (3). 1 of the submissions does not count toward it. Last evaluated 2021-05-04.

Conditions:
DNAH17-related disorder. Also called: DNAH17-related condition.

Allele frequency attached by ClinVar (database versions not stated): TOPMed 0.10755; ESP Exome Variant Server 0.10778; gnomAD 0.11258 and 0.11577; gnomAD exomes 0.12379 and 0.13036; 1000 Genomes Project 30x 0.13179; 1000 Genomes Project 0.13339; ExAC 0.13349.
gnomAD v4.1: 198,874 of 1,613,812 alleles (12%); highest among the groups gnomAD compares: South Asian, 19%; 13,092 homozygotes.

Submissions (4):

GeneDx
Classification: Benign. Last evaluated: 2021-05-04. Review status: criteria provided, single submitter. Criteria: GeneDx Variant Classification Process June 2021. Collection method: clinical testing. Allele origin: germline. Affected: yes.

Laboratory for Molecular Medicine, Mass General Brigham Personalized Medicine
Classification: Benign. Last evaluated: 2016-03-29. Review status: criteria provided, single submitter. Criteria: LMM Criteria. Collection method: clinical testing. Allele origin: germline.
Comment: Variant identified in a genome or exome case(s) and assessed due to predicted null impact of the variant or pathogenic assertions in the literature or databases. Disclaimer: This variant has not undergone full assessment. The following are preliminary notes: Frequency

Breakthrough Genomics
Classification: Benign. Review status: criteria provided, single submitter. Criteria: ACMG Guidelines, 2015. Collection method: not provided. Allele origin: germline. Inheritance: Autosomal recessive inheritance. Affected: yes.

PreventionGenetics, part of Exact Sciences
Classification: Benign for DNAH17-related condition. Last evaluated: 2019-10-28. Review status: no assertion criteria provided. Collection method: clinical testing. Allele origin: germline. Not counted in ClinVar's aggregate classification.
Comment: This variant is classified as benign based on ACMG/AMP sequence variant interpretation guidelines (Richards et al. 2015 PMID: 25741868, with internal and published modifications).

NM_173628.4(DNAH17):c.8505C>T (p.Asp2835=)

Gene: DNAH17 (dynein axonemal heavy chain 17; minus strand). Cytogenetic location: 17q25.3.
Variant type: single nucleotide variant.
Coding change: c.8505C>T on transcript NM_173628.4 (MANE Select); coding-DNA position 8505, C replaced by T.
Protein change: p.Asp2835=; no amino-acid change (aspartic acid 2835 retained).
Molecular consequence: synonymous variant.
Genome position (GRCh38, 1-based): chr17:78,475,284, G>A on the plus strand (C>T on the coding strand, the complement: DNAH17 is on the minus strand). VCF-style: chr17-78475284-G-A. GRCh37 (hg19) VCF-style: chr17-76471366-G-A.
Identifiers: ClinVar variation 402678 (VCV000402678.9), dbSNP rs61746438, ClinGen allele CA8801817.